The following is an entry in ClinVar:

NM_000390.4(CHM):c.647_648insGGCCGGGCGCGGTGGCTCACGCCTGTAATCCCAGCACTTTGGGAGGCCGAGGCGGGCGGATCACGAGGTCNNNNNNNNNNAAAAAAAAAAAAAAAAAAAAAAAGAAAAACAGAATTAC (p.Thr216_Tyr217insAlaGlyArgGlyGlySerArgLeuTer)

Gene: CHM (CHM Rab escort protein; minus strand). Cytogenetic location: Xq21.2.
Variant type: Insertion.
Coding change: c.647_648insGGCCGGGCGCGGTGGCTCACGCCTGTAATCCCAGCACTTTGGGAGGCCGAGGCGGGCGGATCACGAGGTCNNNNNNNNNNAAAAAAAAAAAAAAAAAAAAAAAGAAAAACAGAATTAC on transcript NM_000390.4 (MANE Select); coding-DNA positions 647 to 648, GGCCGGGCGCGGTGGCTCACGCCTGTAATCCCAGCACTTTGGGAGGCCGAGGCGGGCGGATCACGAGGTCNNNNNNNNNNAAAAAAAAAAAAAAAAAAAAAAAGAAAAACAGAATTAC inserted.
Protein change: p.Thr216_Tyr217insAlaGlyArgGlyGlySerArgLeuTer.
Molecular consequence: nonsense, inframe insertion.
Genome position: GRCh38: chrX:85,963,737-85,963,738. GRCh37 (hg19): chrX:85,218,742-85,218,743.
Other names: c.203_204insGGCCGGGCGCGGTGGCTCACGCCTGTAATCCCAGCACTTTGGGAGGCCGAGGCGGGCGGATCACGAGGTCNNNNNNNNNNAAAAAAAAAAAAAAAAAAAAAAAGAAAAACAGAATTAC, p.Thr68_Tyr69insAlaGlyArgGlyGlySerArgLeuTer (NM_001320959.1, NM_001362517.1, NM_001362518.2 and 1 more transcripts).
Identifiers: ClinVar variation 2858706 (VCV002858706.3), dbSNP rs2520272102.

ClinVar aggregate classification (germline): Pathogenic (1 of 4 stars; one submission).

Submission:

Labcorp Genetics (formerly Invitae), Labcorp
Classification: Pathogenic. Last evaluated: 2023-04-23. Review status: criteria provided, single submitter. Criteria: Invitae Variant Classification Sherloc (09022015). Collection method: clinical testing. Allele origin: germline.
Comment: This sequence change inserts a large fragment of DNA, likely a transposable element, in exon 5 of the CHM gene (c.647_648ins?), causing a frameshift at codon 216 (p.Thr216fs). The exact size and sequence of the insertion cannot be determined by the current assay. However, the insertion is expected to result in an absent or disrupted protein product. This variant has not been reported in the literature in individuals affected with CHM-related conditions. For these reasons, this variant has been classified as Pathogenic. Retrotransposon insertions including LINE1 (L1), Alu, and SVA (SINE-VNTR-Alu) have been reported to be disease-causing through disruption of either a coding region or splice site (PMID: 19763152, 20307669, 22406018) and loss-of-function variants in CHM are known to be pathogenic (PMID: 9067750, 23811034).

Literature cited by the submitters: PubMed 19763152; PubMed 20307669; PubMed 22406018; PubMed 9067750; PubMed 23811034.